The following is an entry in ClinVar:

NM_004168.4(SDHA):c.1285G>A (p.Asp429Asn)

Gene: SDHA (succinate dehydrogenase complex flavoprotein subunit A; plus strand). Cytogenetic location: 5p15.33.
Variant type: single nucleotide variant.
Coding change: c.1285G>A on transcript NM_004168.4 (MANE Select); coding-DNA position 1285, G replaced by A.
Protein change: p.Asp429Asn; replaces aspartic acid 429 with asparagine.
Molecular consequence: missense variant.
Genome position (GRCh38, 1-based): chr5:236,452, G>A. VCF-style: chr5-236452-G-A. GRCh37 (hg19) VCF-style: chr5-236567-G-A.
Other names: c.1141G>A, p.Asp381Asn (NM_001294332.2); c.1285G>A, p.Asp429Asn (NM_001330758.2); c.1285G>A (NM_004168.2); short protein forms D429N, D381N.
Identifiers: ClinVar variation 1354246 (VCV001354246.11), dbSNP rs988419580, ClinGen allele CA112826746.

ClinVar aggregate classification (germline): Conflicting classifications of pathogenicity. Review status: criteria provided, conflicting classifications (1 of 4 stars). 2 submissions from 2 submitters: Uncertain significance (1); Likely benign (1). Last evaluated 2026-03-03.

Conditions:
Mitochondrial complex II deficiency, nuclear type 1. Also called: SUCCINATE CoQ REDUCTASE DEFICIENCY. Identifiers: Orphanet 3208, MedGen C5700310, MONDO:0100294, OMIM 252011.
Pheochromocytoma/paraganglioma syndrome 5. Also called: Paragangliomas 5; SDHA-Related Hereditary Paraganglioma-Pheochromocytoma Syndrome. Identifiers: Orphanet 29072, MedGen C3279992, MONDO:0013602, OMIM 614165.
Hereditary cancer-predisposing syndrome. Also called: Tumor predisposition; Hereditary Cancer Syndrome; Hereditary neoplastic syndrome; Neoplastic Syndromes, Hereditary. Identifiers: Orphanet 140162, MedGen C0027672, MeSH D009386, MONDO:0015356.

Submissions (2):

Ambry Genetics
Classification: Likely benign for Hereditary cancer-predisposing syndrome. Last evaluated: 2026-03-03. Review status: criteria provided, single submitter. Criteria: Ambry Variant Classification Scheme 2023. Collection method: clinical testing. Allele origin: germline.

Labcorp Genetics (formerly Invitae), Labcorp
Classification: Uncertain significance for Pheochromocytoma/paraganglioma syndrome 5; Mitochondrial complex II deficiency, nuclear type 1. Last evaluated: 2024-11-24. Review status: criteria provided, single submitter. Criteria: Invitae Variant Classification Sherloc (09022015). Collection method: clinical testing. Allele origin: germline.
Comment: This sequence change replaces aspartic acid, which is acidic and polar, with asparagine, which is neutral and polar, at codon 429 of the SDHA protein (p.Asp429Asn). This variant is not present in population databases (gnomAD no frequency). This variant has not been reported in the literature in individuals affected with SDHA-related conditions. ClinVar contains an entry for this variant (Variation ID: 1354246). Invitae Evidence Modeling of protein sequence and biophysical properties (such as structural, functional, and spatial information, amino acid conservation, physicochemical variation, residue mobility, and thermodynamic stability) indicates that this missense variant is not expected to disrupt SDHA protein function with a negative predictive value of 95%. In summary, the available evidence is currently insufficient to determine the role of this variant in disease. Therefore, it has been classified as a Variant of Uncertain Significance.